The following is an entry in ClinVar:

NM_007272.3(CTRC):c.331A>C (p.Lys111Gln)

Gene: CTRC (chymotrypsin C; plus strand). Cytogenetic location: 1p36.21.
Variant type: single nucleotide variant.
Coding change: c.331A>C on transcript NM_007272.3 (MANE Select); coding-DNA position 331, A replaced by C.
Protein change: p.Lys111Gln; replaces lysine 111 with glutamine.
Molecular consequence: missense variant.
Genome position (GRCh38, 1-based): chr1:15,442,547, A>C. VCF-style: chr1-15442547-A-C. GRCh37 (hg19) VCF-style: chr1-15769043-A-C.
Other names: short protein forms K111Q.
Identifiers: ClinVar variation 1523341 (VCV001523341.6), dbSNP rs1460120830, ClinGen allele CA338565637.

ClinVar aggregate classification (germline): Uncertain significance (1 of 4 stars; one submission).

Conditions:
Hereditary pancreatitis (PCTT). Also called: Hereditary chronic pancreatitis; PRSS1-Related Hereditary Pancreatitis. Identifiers: Orphanet 676, MedGen C0238339, MONDO:0008185, OMIM 167800.

Allele frequency attached by ClinVar (database versions not stated): gnomAD exomes 0.00001; TOPMed 0.00001.

Submission:

Labcorp Genetics (formerly Invitae), Labcorp
Classification: Uncertain significance for Hereditary pancreatitis. Last evaluated: 2023-06-29. Review status: criteria provided, single submitter. Criteria: Invitae Variant Classification Sherloc (09022015). Collection method: clinical testing. Allele origin: germline.
Comment: This sequence change replaces lysine, which is basic and polar, with glutamine, which is neutral and polar, at codon 111 of the CTRC protein (p.Lys111Gln). In summary, the available evidence is currently insufficient to determine the role of this variant in disease. Therefore, it has been classified as a Variant of Uncertain Significance. Advanced modeling of protein sequence and biophysical properties (such as structural, functional, and spatial information, amino acid conservation, physicochemical variation, residue mobility, and thermodynamic stability) performed at Invitae indicates that this missense variant is not expected to disrupt CTRC protein function. ClinVar contains an entry for this variant (Variation ID: 1523341). This variant has not been reported in the literature in individuals affected with CTRC-related conditions. This variant is present in population databases (no rsID available, gnomAD 0.009%).